The following is an entry in ClinVar:

ClinVar aggregate classification (germline): Uncertain significance (1 of 4 stars; one submission).

Conditions:
Progressive sclerosing poliodystrophy (MTDPS4A). Also called: ALPERS PROGRESSIVE INFANTILE POLIODYSTROPHY; NEURONAL DEGENERATION OF CHILDHOOD WITH LIVER DISEASE, PROGRESSIVE; Alpers Syndrome; ALPERS DIFFUSE DEGENERATION OF CEREBRAL GRAY MATTER WITH HEPATIC CIRRHOSIS; Alpers-Huttenlocher Syndrome; Mitochondrial DNA depletion syndrome 4A (Alpers type). Identifiers: Orphanet 726, MedGen C0205710, MONDO:0008758, OMIM 203700.

Submission:

Labcorp Genetics (formerly Invitae), Labcorp
Classification: Uncertain significance for Progressive sclerosing poliodystrophy. Last evaluated: 2024-08-06. Review status: criteria provided, single submitter. Criteria: Invitae Variant Classification Sherloc (09022015). Collection method: clinical testing. Allele origin: germline.
Comment: This sequence change replaces asparagine, which is neutral and polar, with tyrosine, which is neutral and polar, at codon 1157 of the POLG protein (p.Asn1157Tyr). This variant is not present in population databases (gnomAD no frequency). This variant has not been reported in the literature in individuals affected with POLG-related conditions. Advanced modeling of protein sequence and biophysical properties (such as structural, functional, and spatial information, amino acid conservation, physicochemical variation, residue mobility, and thermodynamic stability) performed at Invitae indicates that this missense variant is expected to disrupt POLG protein function with a positive predictive value of 95%. In summary, the available evidence is currently insufficient to determine the role of this variant in disease. Therefore, it has been classified as a Variant of Uncertain Significance.

NM_002693.3(POLG):c.3469A>T (p.Asn1157Tyr)

Gene: POLG (DNA polymerase gamma, catalytic subunit; minus strand). Cytogenetic location: 15q26.1.
Variant type: single nucleotide variant.
Coding change: c.3469A>T on transcript NM_002693.3 (MANE Select); coding-DNA position 3469, A replaced by T.
Protein change: p.Asn1157Tyr; replaces asparagine 1157 with tyrosine.
Molecular consequence: missense variant.
Genome position (GRCh38, 1-based): chr15:89,318,554, T>A on the plus strand (A>T on the coding strand, the complement: POLG is on the minus strand). VCF-style: chr15-89318554-T-A. GRCh37 (hg19) VCF-style: chr15-89861785-T-A.
Other names: c.3469A>T, p.Asn1157Tyr (NM_001126131.2); short protein forms N1157Y.
Identifiers: ClinVar variation 3636628 (VCV003636628.2).